The following is an entry in ClinVar:

ClinVar aggregate classification (germline): Uncertain significance (1 of 4 stars; one submission).

Conditions:
Hereditary breast ovarian cancer syndrome. Also called: Hereditary breast and ovarian cancer syndrome (HBOC); Breast and ovarian cancer; BRCA1- and BRCA2-Associated Hereditary Breast and Ovarian Cancer; Hereditary breast and ovarian cancer syndrome; Hereditary breast and ovarian cancer; Hereditary breast and/or ovarian cancer syndrome. Identifiers: Orphanet 145, MedGen C0677776, MeSH D061325, MONDO:0003582. Disease mechanism: loss of function.

Submission:

Labcorp Genetics (formerly Invitae), Labcorp
Classification: Uncertain significance for Hereditary breast ovarian cancer syndrome. Last evaluated: 2023-02-06. Review status: criteria provided, single submitter. Criteria: Invitae Variant Classification Sherloc (09022015). Collection method: clinical testing. Allele origin: germline.
Comment: Advanced modeling of protein sequence and biophysical properties (such as structural, functional, and spatial information, amino acid conservation, physicochemical variation, residue mobility, and thermodynamic stability) performed at Invitae indicates that this missense variant is not expected to disrupt BRCA2 protein function. This sequence change replaces serine, which is neutral and polar, with threonine, which is neutral and polar, at codon 476 of the BRCA2 protein (p.Ser476Thr). This variant is not present in population databases (gnomAD no frequency). This variant has not been reported in the literature in individuals affected with BRCA2-related conditions. In summary, the available evidence is currently insufficient to determine the role of this variant in disease. Therefore, it has been classified as a Variant of Uncertain Significance.

NM_000059.4(BRCA2):c.1426T>A (p.Ser476Thr)

Gene: BRCA2 (BRCA2 DNA repair associated; plus strand). Cytogenetic location: 13q13.1.
Variant type: single nucleotide variant.
Coding change: c.1426T>A on transcript NM_000059.4 (MANE Select); coding-DNA position 1426, T replaced by A.
Protein change: p.Ser476Thr; replaces serine 476 with threonine.
Molecular consequence: missense variant. On other transcripts: non-coding transcript variant (1), intron variant (1).
Genome position (GRCh38, 1-based): chr13:32,332,904, T>A. VCF-style: chr13-32332904-T-A. GRCh37 (hg19) VCF-style: chr13-32907041-T-A.
Other names: c.1426T>A, p.Ser476Thr (NM_001406719.1, NM_001406720.1, NM_001406721.1); c.424+1874T>A (NM_001406722.1); short protein forms S476T.
Identifiers: ClinVar variation 2834936 (VCV002834936.3), dbSNP rs2137471316, ClinGen allele CA387764250.
Genomic context (GRCh38, chr13:32,332,904, plus strand): 5'-GAGAAGCCATTAAATGAGGAAACAGTGGTAAATAAGAGAGATGAAGAGCAGCATCTTGAA[T>A]CTCATACAGACTGCATTCTTGCAGTAAAGCAGGCAATATCTGGAACTTCTCCAGTGGCTT-3'
Protein context (NP_000050.3, residues 466-486): NKRDEEQHLE[Ser476Thr]HTDCILAVKQ